The following is an entry in ClinVar:

NM_001844.5(COL2A1):c.1022C>T (p.Ala341Val)

Gene: COL2A1 (collagen type II alpha 1 chain; minus strand). Cytogenetic location: 12q13.11.
Variant type: single nucleotide variant.
Coding change: c.1022C>T on transcript NM_001844.5 (MANE Select); coding-DNA position 1022, C replaced by T.
Protein change: p.Ala341Val; replaces alanine 341 with valine.
Molecular consequence: missense variant.
Genome position (GRCh38, 1-based): chr12:47,992,879, G>A on the plus strand (C>T on the coding strand, the complement: COL2A1 is on the minus strand). VCF-style: chr12-47992879-G-A. GRCh37 (hg19) VCF-style: chr12-48386662-G-A.
Other names: c.815C>T, p.Ala272Val (NM_033150.3); short protein forms A272V, A341V.
Identifiers: ClinVar variation 4708425 (VCV004708425.1).

ClinVar aggregate classification (germline): Uncertain significance (1 of 4 stars; one submission).

gnomAD v4.1: 35 of 1,614,090 alleles (0.0022%); highest among the groups gnomAD compares: South Asian, 0.0066%; no homozygotes.

Submission:

Labcorp Genetics (formerly Invitae), Labcorp
Classification: Uncertain significance. Last evaluated: 2025-03-26. Review status: criteria provided, single submitter. Criteria: Invitae Variant Classification Sherloc (09022015). Collection method: clinical testing. Allele origin: germline.
Comment: This sequence change replaces alanine, which is neutral and non-polar, with valine, which is neutral and non-polar, at codon 341 of the COL2A1 protein (p.Ala341Val). This variant is present in population databases (rs368068067, gnomAD 0.006%). This variant has not been reported in the literature in individuals affected with COL2A1-related conditions. An algorithm developed to predict the effect of missense changes on protein structure and function outputs the following: PolyPhen-2: "Not Available". The valine amino acid residue is found in multiple mammalian species, which suggests that this missense change does not adversely affect protein function. In summary, the available evidence is currently insufficient to determine the role of this variant in disease. Therefore, it has been classified as a Variant of Uncertain Significance.